The following is an entry in ClinVar:

NM_000038.6(APC):c.6150_6153del (p.Lys2051fs)

Gene: APC (APC regulator of Wnt signaling pathway; plus strand). Cytogenetic location: 5q22.2.
Variant type: Deletion.
Coding change: c.6150_6153del on transcript NM_000038.6 (MANE Select); coding-DNA positions 6150 to 6153, 4 bases deleted (GAAA; older notation c.6150_6153delGAAA).
Protein change: p.Lys2051fs; shifts the reading frame from lysine 2051.
Molecular consequence: frameshift variant. On other transcripts: non-coding transcript variant (2).
Genome position (GRCh38, 1-based): chr5:112,841,744-112,841,747, GAAA deleted; deleting any 4 consecutive bases within chr5:112,841,741-112,841,747 gives the same sequence; the c. name uses the placement nearest the transcript's 3' end. VCF-style (leftmost placement, unchanged base first): chr5-112841740-AAAAG-A. GRCh37 (hg19) VCF-style: chr5-112177437-AAAAG-A.
Other names: c.6150_6153del, p.Lys2051fs (NM_001127510.3, NM_001354895.2, NM_001407450.1); c.6096_6099del, p.Lys2033fs (NM_001127511.3); c.6204_6207del, p.Lys2069fs (NM_001354896.2, NM_001407447.1, NM_001407448.1 and 1 more transcripts); c.6180_6183del, p.Lys2061fs (NM_001354897.2); c.6075_6078del, p.Lys2026fs (NM_001354898.2); c.6066_6069del, p.Lys2023fs (NM_001354899.2); c.6027_6030del, p.Lys2010fs (NM_001354900.2); c.5973_5976del, p.Lys1992fs (NM_001354901.2, NM_001407453.1); and 12 more; short protein forms K1667fs, K1768fs, K1891fs, K1922fs, K1925fs, K1950fs, K1960fs, K1968fs.
Identifiers: ClinVar variation 2678183 (VCV002678183.2), dbSNP rs2533693991, ClinGen allele CA2695198716.
Genomic context (GRCh38, chr5:112,841,740, plus strand): 5'-CTCTTAGTATTGACTCTGAAGATGACCTGTTGCAGGAATGTATAAGCTCCGCAATGCCAA[AAAAG>A]AAAAAGCCTTCAAGACTCAAGGGTGATAATGAAAAACATAGTCCCAGAAATATGGGTGGC-3'

ClinVar aggregate classification (germline): Likely pathogenic. Review status: criteria provided, multiple submitters, no conflicts (2 of 4 stars). 2 submissions from 2 submitters: Likely pathogenic (2). Last evaluated 2025-01-29.

Conditions:
Familial adenomatous polyposis 1 (FAP1). Also called: FAMILIAL ADENOMATOUS POLYPOSIS 1, ATTENUATED; POLYPOSIS, ADENOMATOUS INTESTINAL. Identifiers: MedGen C2713442, MONDO:0021056, OMIM 175100. Disease mechanism: loss of function.
Hereditary cancer-predisposing syndrome. Also called: Neoplastic Syndromes, Hereditary; Tumor predisposition; Hereditary Cancer Syndrome; Hereditary neoplastic syndrome. Identifiers: Orphanet 140162, MedGen C0027672, MeSH D009386, MONDO:0015356.

Submissions (2):

Ambry Genetics
Classification: Likely pathogenic for Hereditary cancer-predisposing syndrome. Last evaluated: 2025-01-29. Review status: criteria provided, single submitter. Criteria: Ambry Variant Classification Scheme 2023. Collection method: clinical testing. Allele origin: germline.
Comment: The c.6150_6153delGAAA variant, located in coding exon 15 of the APC gene, results from a deletion of 4 nucleotides at nucleotide positions 6150 to 6153, causing a translational frameshift with a predicted alternate stop codon (p.K2051Sfs*21). This alteration occurs at the 3' terminus of the APC gene, is not expected to trigger nonsense-mediated mRNA decay, and impacts the last 28% of the protein. However, premature stop codons are typically deleterious in nature and a significant portion of the protein is affected and the impacted region is critical for protein function (Ambry internal data). This variant is considered to be rare based on population cohorts in the Genome Aggregation Database (gnomAD). Based on the majority of available evidence to date, this variant is likely to be pathogenic.

Baylor Genetics
Classification: Likely pathogenic for Familial adenomatous polyposis 1. Last evaluated: 2021-10-05. Review status: criteria provided, single submitter. Criteria: ACMG Guidelines, 2015. Collection method: clinical testing. Allele origin: unknown.